The following is an entry in ClinVar:

ClinVar aggregate classification (germline): Conflicting classifications of pathogenicity. Review status: criteria provided, conflicting classifications (1 of 4 stars). 2 submissions from 2 submitters: Uncertain significance (1); Likely benign (1). Last evaluated 2023-02-28.

Conditions:
Inborn genetic diseases. Identifiers: MedGen C0950123, MeSH D030342.

Allele frequency attached by ClinVar (database versions not stated): TOPMed 0.00005; ExAC 0.00006; gnomAD 0.00006; ESP Exome Variant Server 0.00008; 1000 Genomes Project 0.00060; 1000 Genomes Project 30x 0.00062.
gnomAD v4.1: 36 of 1,614,056 alleles (0.0022%); highest among the groups gnomAD compares: East Asian, 0.029%; no homozygotes.

Submissions (2):

Ambry Genetics
Classification: Likely benign for Inborn genetic diseases. Last evaluated: 2023-02-28. Review status: criteria provided, single submitter. Criteria: Ambry Variant Classification Scheme 2023. Collection method: clinical testing. Allele origin: germline.

Labcorp Genetics (formerly Invitae), Labcorp
Classification: Uncertain significance. Last evaluated: 2022-07-26. Review status: criteria provided, single submitter. Criteria: Invitae Variant Classification Sherloc (09022015). Collection method: clinical testing. Allele origin: germline.
Comment: This variant is present in population databases (rs144714547, gnomAD 0.04%), and has an allele count higher than expected for a pathogenic variant. This sequence change replaces serine, which is neutral and polar, with leucine, which is neutral and non-polar, at codon 629 of the WHSC1 protein (p.Ser629Leu). This variant has not been reported in the literature in individuals affected with WHSC1-related conditions. In summary, the available evidence is currently insufficient to determine the role of this variant in disease. Therefore, it has been classified as a Variant of Uncertain Significance. Algorithms developed to predict the effect of missense changes on protein structure and function (SIFT, PolyPhen-2, Align-GVGD) all suggest that this variant is likely to be tolerated.

NM_001042424.3(NSD2):c.1886C>T (p.Ser629Leu)

Gene: NSD2 (nuclear receptor binding SET domain protein 2; plus strand). Cytogenetic location: 4p16.3.
Variant type: single nucleotide variant.
Coding change: c.1886C>T on transcript NM_001042424.3 (MANE Select); coding-DNA position 1886, C replaced by T.
Protein change: p.Ser629Leu; replaces serine 629 with leucine.
Molecular consequence: missense variant.
Genome position (GRCh38, 1-based): chr4:1,951,076, C>T. VCF-style: chr4-1951076-C-T. GRCh37 (hg19) VCF-style: chr4-1952803-C-T.
Other names: c.1886C>T, p.Ser629Leu (NM_133330.3, NM_133331.3, NM_133335.4); c.1886C>T (NM_133330.2); short protein forms S629L.
Identifiers: ClinVar variation 1927796 (VCV001927796.7), dbSNP rs144714547, ClinGen allele CA2812291.